The following is an entry in ClinVar:

NM_153033.5(KCTD7):c.457C>T (p.Arg153Cys)

Gene: KCTD7 (potassium channel tetramerization domain containing 7; plus strand). Cytogenetic location: 7q11.21.
Variant type: single nucleotide variant.
Coding change: c.457C>T on transcript NM_153033.5 (MANE Select); coding-DNA position 457, C replaced by T.
Protein change: p.Arg153Cys; replaces arginine 153 with cysteine.
Molecular consequence: missense variant.
Genome position (GRCh38, 1-based): chr7:66,638,395, C>T. VCF-style: chr7-66638395-C-T. GRCh37 (hg19) VCF-style: chr7-66103382-C-T.
Other names: c.457C>T, p.Arg153Cys (NM_001167961.2); short protein forms R153C.
Identifiers: ClinVar variation 1163278 (VCV001163278.8), dbSNP rs761707159, ClinGen allele CA367696457.

ClinVar aggregate classification (germline): Uncertain significance. Review status: criteria provided, multiple submitters, no conflicts (2 of 4 stars). 3 submissions from 3 submitters: Uncertain significance (3). Last evaluated 2024-08-06.

Conditions:
Progressive myoclonic epilepsy type 3. Also called: EPILEPSY, PROGRESSIVE MYOCLONIC, 3, WITH OR WITHOUT INTRACELLULAR INCLUSIONS; CEROID LIPOFUSCINOSIS, NEURONAL, 14; EPILEPSY, PROGRESSIVE MYOCLONIC, 3, WITHOUT INTRACELLULAR INCLUSIONS; KCTD7-Related Progressive Myoclonic Epilepsy. Identifiers: Orphanet 263516, MedGen C2673257, MONDO:0012721, OMIM 611726.

Allele frequency attached by ClinVar (database versions not stated): TOPMed below 0.00001.
gnomAD v4.1: 4 of 1,614,214 alleles (0.00025%); highest among the groups gnomAD compares: Middle Eastern, 0.016%; no homozygotes.

Submissions (3):

Blueprint Genetics
Classification: Uncertain significance. Last evaluated: 2024-08-06. Review status: criteria provided, single submitter. Criteria: ACMG Guidelines, 2015. Collection method: clinical testing. Allele origin: germline.

Labcorp Genetics (formerly Invitae), Labcorp
Classification: Uncertain significance for Progressive myoclonic epilepsy type 3. Last evaluated: 2024-02-19. Review status: criteria provided, single submitter. Criteria: Invitae Variant Classification Sherloc (09022015). Collection method: clinical testing. Allele origin: germline.
Comment: This sequence change replaces arginine, which is basic and polar, with cysteine, which is neutral and slightly polar, at codon 153 of the KCTD7 protein (p.Arg153Cys). This variant is not present in population databases (gnomAD no frequency). This variant has not been reported in the literature in individuals affected with KCTD7-related conditions. ClinVar contains an entry for this variant (Variation ID: 1163278). Advanced modeling of protein sequence and biophysical properties (such as structural, functional, and spatial information, amino acid conservation, physicochemical variation, residue mobility, and thermodynamic stability) performed at Invitae indicates that this missense variant is not expected to disrupt KCTD7 protein function with a negative predictive value of 80%. This variant disrupts the p.Arg153 amino acid residue in KCTD7. Other variant(s) that disrupt this residue have been determined to be pathogenic (PMID: 30295347, 31216804; Invitae). This suggests that this residue is clinically significant, and that variants that disrupt this residue are likely to be disease-causing. In summary, the available evidence is currently insufficient to determine the role of this variant in disease. Therefore, it has been classified as a Variant of Uncertain Significance.

Mayo Clinic Laboratories, Mayo Clinic
Classification: Uncertain significance. Last evaluated: 2020-01-07. Review status: criteria provided, single submitter. Criteria: ACMG Guidelines, 2015. Collection method: clinical testing. Allele origin: germline. Observed: 1 variant allele.

Literature cited by the submitters: PubMed 30295347 (cited by Labcorp Genetics (formerly Invitae), Labcorp); PubMed 31216804 (cited by Labcorp Genetics (formerly Invitae), Labcorp).